The following is an entry in ClinVar:

ClinVar aggregate classification (germline): Uncertain significance (1 of 4 stars; one submission).

gnomAD v4.1: 1 of 1,614,138 alleles (0.000062%); highest among the groups gnomAD compares: African/African-American, 0.0013%; no homozygotes.

Submission:

Labcorp Genetics (formerly Invitae), Labcorp
Classification: Uncertain significance. Last evaluated: 2025-06-12. Review status: criteria provided, single submitter. Criteria: Invitae Variant Classification Sherloc (09022015). Collection method: clinical testing. Allele origin: germline.
Comment: This sequence change replaces serine, which is neutral and polar, with cysteine, which is neutral and slightly polar, at codon 638 of the NUP85 protein (p.Ser638Cys). This variant is not present in population databases (gnomAD no frequency). This variant has not been reported in the literature in individuals affected with NUP85-related conditions. ClinVar contains an entry for this variant (Variation ID: 1465234). An algorithm developed to predict the effect of missense changes on protein structure and function (PolyPhen-2) suggests that this variant is likely to be tolerated. In summary, the available evidence is currently insufficient to determine the role of this variant in disease. Therefore, it has been classified as a Variant of Uncertain Significance.

NM_024844.5(NUP85):c.1913C>G (p.Ser638Cys)

Gene: NUP85 (nucleoporin 85; plus strand). Cytogenetic location: 17q25.1.
Variant type: single nucleotide variant.
Coding change: c.1913C>G on transcript NM_024844.5 (MANE Select); coding-DNA position 1913, C replaced by G.
Protein change: p.Ser638Cys; replaces serine 638 with cysteine.
Molecular consequence: missense variant.
Genome position (GRCh38, 1-based): chr17:75,235,621, C>G. VCF-style: chr17-75235621-C-G. GRCh37 (hg19) VCF-style: chr17-73231716-C-G.
Other names: c.1775C>G, p.Ser592Cys (NM_001303276.2); c.1778C>G, p.Ser593Cys (NM_001330472.2); short protein forms S592C, S593C, S638C.
Identifiers: ClinVar variation 1465234 (VCV001465234.6), dbSNP rs776877734, ClinGen allele CA400992909.
Genomic context (GRCh38, chr17:75,235,621, plus strand): 5'-CGCTCTCTGCTTTGCAGGATGATGACATAGAGACCACCAAGGTGGAAATGCTGAGACTTT[C>G]TCTGGCACGAAATCTTGCTCGGGCAATTATAAGAGAAGGCTCACTGGAAGGTTCCTGAGA-3'
Protein context (NP_079120.1, residues 628-648): ETTKVEMLRL[Ser638Cys]LARNLARAII